The following is an entry in ClinVar:

ClinVar aggregate classification (germline): Uncertain significance (1 of 4 stars; one submission).

Conditions:
Cardiomyopathy (CMYO). Also called: Cardiomyopathies. Identifiers: Orphanet 167848, MedGen C0878544, MONDO:0004994, HP:0001638. Inheritance: Various modes of inheritance.

Submission:

Color Diagnostics, LLC DBA Color Health
Classification: Uncertain significance for Cardiomyopathy. Last evaluated: 2022-06-09. Review status: criteria provided, single submitter. Criteria: ACMG Guidelines, 2015. Collection method: clinical testing. Allele origin: germline.
Comment: This variant duplicates 4 nucleotides in intron 16 of the MYBPC3 gene. To our knowledge, functional studies have not been performed for this variant. This variant has not been reported in individuals affected with cardiovascular disorders in the literature. This variant has not been identified in the general population by the Genome Aggregation Database (gnomAD). The available evidence is insufficient to determine the role of this variant in disease conclusively. Therefore, this variant is classified as a Variant of Uncertain Significance.

NM_000256.3(MYBPC3):c.1458-18ACCC[4]

Gene: MYBPC3 (myosin binding protein C3; minus strand). Cytogenetic location: 11p11.2.
Variant type: Microsatellite.
Coding change: c.1458-18ACCC[4] on transcript NM_000256.3 (MANE Select); four copies in a row of the 4-base unit ACCC starting at c.1458-18; the reference has three copies in a row; one copy, 4 bases duplicated.
Molecular consequence: intron variant.
Genome position (GRCh38, 1-based): chr11:47,342,751-47,342,754, GGGT duplicated on the plus strand (ACCC on the coding strand, the reverse complement: MYBPC3 is on the minus strand); duplicating any 4 consecutive bases within chr11:47,342,751-47,342,764 gives the same sequence; the position shown is the placement nearest the transcript's 3' end. VCF-style (leftmost placement, unchanged base first): chr11-47342750-C-CGGGT. GRCh37 (hg19) VCF-style: chr11-47364301-C-CGGGT.
Other names: c.1458-10_1458-7dup (NM_000256.3).
Identifiers: ClinVar variation 919576 (VCV000919576.5), dbSNP rs778947597, ClinGen allele CA677000309.